The following is an entry in ClinVar:

ClinVar aggregate classification (germline): Uncertain significance (1 of 4 stars; one submission).

Submission:

GeneDx
Classification: Uncertain significance. Last evaluated: 2026-03-28. Review status: criteria provided, single submitter. Criteria: GeneDx Variant Classification Process June 2021. Collection method: clinical testing. Allele origin: germline.
Comment: Not observed at significant frequency in large population cohorts (gnomAD); In silico analysis suggests that this missense variant does not alter protein structure/function; Has not been previously published as pathogenic or benign to our knowledge

NM_017934.7(PHIP):c.1253T>C (p.Ile418Thr)

Gene: PHIP (PHIP subunit of CUL4-Ring ligase complex; minus strand). Cytogenetic location: 6q14.1.
Variant type: single nucleotide variant.
Coding change: c.1253T>C on transcript NM_017934.7 (MANE Select); coding-DNA position 1253, T replaced by C.
Protein change: p.Ile418Thr; replaces isoleucine 418 with threonine.
Molecular consequence: missense variant.
Genome position (GRCh38, 1-based): chr6:79,015,766, A>G on the plus strand (T>C on the coding strand, the complement: PHIP is on the minus strand). VCF-style: chr6-79015766-A-G. GRCh37 (hg19) VCF-style: chr6-79725483-A-G.
Other names: short protein forms I418T.
Identifiers: ClinVar variation 5017364 (VCV005017364.1).